The following is an entry in ClinVar:

ClinVar aggregate classification (germline): Uncertain significance (1 of 4 stars; one submission).

Submission:

Labcorp Genetics (formerly Invitae), Labcorp
Classification: Uncertain significance. Last evaluated: 2024-11-11. Review status: criteria provided, single submitter. Criteria: Invitae Variant Classification Sherloc (09022015). Collection method: clinical testing. Allele origin: germline.
Comment: This sequence change replaces lysine, which is basic and polar, with arginine, which is basic and polar, at codon 1986 of the USH2A protein (p.Lys1986Arg). This variant is not present in population databases (gnomAD no frequency). This variant has not been reported in the literature in individuals affected with USH2A-related conditions. ClinVar contains an entry for this variant (Variation ID: 1391857). Invitae Evidence Modeling of protein sequence and biophysical properties (such as structural, functional, and spatial information, amino acid conservation, physicochemical variation, residue mobility, and thermodynamic stability) indicates that this missense variant is not expected to disrupt USH2A protein function with a negative predictive value of 95%. In summary, the available evidence is currently insufficient to determine the role of this variant in disease. Therefore, it has been classified as a Variant of Uncertain Significance.

NM_206933.4(USH2A):c.5957A>G (p.Lys1986Arg)

Gene: USH2A (usherin; minus strand). Cytogenetic location: 1q41.
Variant type: single nucleotide variant.
Coding change: c.5957A>G on transcript NM_206933.4 (MANE Select); coding-DNA position 5957, A replaced by G.
Protein change: p.Lys1986Arg; replaces lysine 1986 with arginine.
Molecular consequence: missense variant.
Genome position (GRCh38, 1-based): chr1:216,070,193, T>C on the plus strand (A>G on the coding strand, the complement: USH2A is on the minus strand). VCF-style: chr1-216070193-T-C. GRCh37 (hg19) VCF-style: chr1-216243535-T-C.
Other names: short protein forms K1986R.
Identifiers: ClinVar variation 1391857 (VCV001391857.6), dbSNP rs2102546147, ClinGen allele CA344862089.